The following is an entry in ClinVar:

NM_001128840.3(CACNA1D):c.2537G>A (p.Arg846Gln)

Gene: CACNA1D (calcium voltage-gated channel subunit alpha1 D; plus strand). Cytogenetic location: 3p21.1.
Variant type: single nucleotide variant.
Coding change: c.2537G>A on transcript NM_001128840.3 (MANE Select); coding-DNA position 2537, G replaced by A.
Protein change: p.Arg846Gln; replaces arginine 846 with glutamine.
Molecular consequence: missense variant.
Genome position (GRCh38, 1-based): chr3:53,732,878, G>A. VCF-style: chr3-53732878-G-A. GRCh37 (hg19) VCF-style: chr3-53766905-G-A.
Other names: c.2597G>A, p.Arg866Gln (NM_000720.4); c.2537G>A, p.Arg846Gln (NM_001128839.3); short protein forms R866Q, R846Q.
Identifiers: ClinVar variation 1962444 (VCV001962444.5), dbSNP rs1247532724, ClinGen allele CA353241531.

ClinVar aggregate classification (germline): Uncertain significance (1 of 4 stars; one submission).

Allele frequency attached by ClinVar (database versions not stated): gnomAD exomes below 0.00001; TOPMed below 0.00001; gnomAD 0.00001.
gnomAD v4.1: 4 of 1,613,846 alleles (0.00025%); highest among the groups gnomAD compares: Admixed American, 0.0033%; no homozygotes.

Submission:

Labcorp Genetics (formerly Invitae), Labcorp
Classification: Uncertain significance. Last evaluated: 2022-11-19. Review status: criteria provided, single submitter. Criteria: Invitae Variant Classification Sherloc (09022015). Collection method: clinical testing. Allele origin: germline.
Comment: In summary, the available evidence is currently insufficient to determine the role of this variant in disease. Therefore, it has been classified as a Variant of Uncertain Significance. Advanced modeling of protein sequence and biophysical properties (such as structural, functional, and spatial information, amino acid conservation, physicochemical variation, residue mobility, and thermodynamic stability) performed at Invitae indicates that this missense variant is not expected to disrupt CACNA1D protein function. This variant has not been reported in the literature in individuals affected with CACNA1D-related conditions. This variant is present in population databases (no rsID available, gnomAD 0.003%). This sequence change replaces arginine, which is basic and polar, with glutamine, which is neutral and polar, at codon 866 of the CACNA1D protein (p.Arg866Gln).